The following is an entry in ClinVar:

NM_001374828.1(ARID1B):c.869C>A (p.Ala290Asp)

Genes: ARID1B (AT-rich interaction domain 1B; plus strand), LOC129997525 (ATAC-STARR-seq lymphoblastoid silent region 17712; plus strand). Cytogenetic location: 6q25.3.
Variant type: single nucleotide variant.
Coding change: c.869C>A on transcript NM_001374828.1 (MANE Select); coding-DNA position 869, C replaced by A.
Protein change: p.Ala290Asp; replaces alanine 290 with aspartic acid.
Molecular consequence: missense variant.
Genome position (GRCh38, 1-based): chr6:156,778,549, C>A. VCF-style: chr6-156778549-C-A. GRCh37 (hg19) VCF-style: chr6-157099683-C-A.
Other names: c.620C>A (NM_020732.3); c.869C>A, p.Ala290Asp (NM_001371656.1, NM_001374820.1, NM_017519.3); short protein forms A290D.
Identifiers: ClinVar variation 1422397 (VCV001422397.18), dbSNP rs920305028, ClinGen allele CA150802741.
Genomic context (GRCh38, chr6:156,778,549, plus strand): 5'-ACGCGCCGCCCAAGATGGGGGAGCCGGCGGGCGGCCGCTACGAGCACCCGGGCTTGGGCG[C>A]CCTGGGCACGCAGCAGCCGCCGGTCGCCGTGCCCGGGGGCGGCGGCGGCCCGGCGGCCGT-3'
Protein context (NP_001361757.1, residues 280-300): GGRYEHPGLG[Ala290Asp]LGTQQPPVAV

ClinVar aggregate classification (germline): Conflicting classifications of pathogenicity. Review status: criteria provided, conflicting classifications (1 of 4 stars). 6 submissions from 6 submitters: Uncertain significance (3); Benign (1); Likely benign (2). Last evaluated 2025-03-01.

Conditions:
Coffin-Siris syndrome 1 (CSS1). Also called: Mental retardation, autosomal dominant 12; ARID1B-Related Coffin-Siris Syndrome. Identifiers: Orphanet 1465, MedGen C3281201, MONDO:0007617, OMIM 135900. Disease mechanism: gain of function.
Coffin-Siris syndrome. Identifiers: Orphanet 1465, MedGen C0265338, MONDO:0015452.
Inborn genetic diseases. Identifiers: MedGen C0950123, MeSH D030342.

Allele frequency attached by ClinVar (database versions not stated): gnomAD 0.00001.
gnomAD v4.1: 52 of 1,231,368 alleles (0.0042%); highest among the groups gnomAD compares: Middle Eastern, 0.19%; no homozygotes.

Submissions (6):

CeGaT Center for Human Genetics Tuebingen
Classification: Uncertain significance. Last evaluated: 2025-03-01. Review status: criteria provided, single submitter. Criteria: CeGaT Center For Human Genetics Tuebingen Variant Classification Criteria Version 2. Collection method: clinical testing. Allele origin: germline. Affected: yes. Observed: 1 variant allele.
Comment: ARID1B: PM2

Labcorp Genetics (formerly Invitae), Labcorp
Classification: Benign. Last evaluated: 2025-02-27. Review status: criteria provided, single submitter. Criteria: Invitae Variant Classification Sherloc (09022015). Collection method: clinical testing. Allele origin: germline.

Blueprint Genetics
Classification: Likely benign. Last evaluated: 2024-11-23. Review status: criteria provided, single submitter. Criteria: ACMG Guidelines, 2015. Collection method: clinical testing. Allele origin: germline.

Ambry Genetics
Classification: Likely benign for Inborn genetic diseases. Last evaluated: 2023-05-18. Review status: criteria provided, single submitter. Criteria: Ambry Variant Classification Scheme 2023. Collection method: clinical testing. Allele origin: germline.

Revvity Omics, Revvity
Classification: Uncertain significance for Coffin-Siris syndrome 1. Last evaluated: 2022-03-21. Review status: criteria provided, single submitter. Criteria: ACMG Guidelines, 2015. Collection method: clinical testing. Allele origin: germline.

Department of Pathology and Laboratory Medicine, Sinai Health System
Classification: Uncertain significance for Coffin-Siris syndrome. Last evaluated: 2021-11-01. Review status: criteria provided, single submitter. Criteria: ACMG Guidelines, 2015. Collection method: research. Allele origin: germline.